The following is an entry in ClinVar:

NM_001278689.2(EOGT):c.1575T>G (p.Asp525Glu)

Gene: EOGT (EGF domain specific O-linked N-acetylglucosamine transferase; minus strand). Cytogenetic location: 3p14.1.
Variant type: single nucleotide variant.
Coding change: c.1575T>G on transcript NM_001278689.2 (MANE Select); coding-DNA position 1575, T replaced by G.
Protein change: p.Asp525Glu; replaces aspartic acid 525 with glutamic acid.
Molecular consequence: missense variant. On other transcripts: non-coding transcript variant (1).
Genome position (GRCh38, 1-based): chr3:68,977,627, A>C on the plus strand (T>G on the coding strand, the complement: EOGT is on the minus strand). VCF-style: chr3-68977627-A-C. GRCh37 (hg19) VCF-style: chr3-69026778-A-C.
Other names: c.1323T>G, p.Asp441Glu (NM_173654.3); c.1323T>G (NM_173654.1); short protein forms D441E, D525E.
Identifiers: ClinVar variation 1483956 (VCV001483956.7), dbSNP rs140481649, ClinGen allele CA2486553.

ClinVar aggregate classification (germline): Uncertain significance. Review status: criteria provided, multiple submitters, no conflicts (2 of 4 stars). 2 submissions from 2 submitters: Uncertain significance (2). Last evaluated 2024-07-08.

Conditions:
Inborn genetic diseases. Identifiers: MedGen C0950123, MeSH D030342.
Adams-Oliver syndrome 4 (AOS4). Identifiers: Orphanet 974, MedGen C3809092, MONDO:0014124, OMIM 615297.

Allele frequency attached by ClinVar (database versions not stated): ExAC 0.00053; gnomAD exomes 0.00056 and 0.00129; TOPMed 0.00063; gnomAD 0.00067; ESP Exome Variant Server 0.00100.
gnomAD v4.1: 1,983 of 1,613,752 alleles (0.12%); highest among the groups gnomAD compares: Non-Finnish European, 0.16%; 2 homozygotes.

Submissions (2):

Ambry Genetics
Classification: Uncertain significance for Inborn genetic diseases. Last evaluated: 2024-07-08. Review status: criteria provided, single submitter. Criteria: Ambry Variant Classification Scheme 2023. Collection method: clinical testing. Allele origin: germline.

Labcorp Genetics (formerly Invitae), Labcorp
Classification: Uncertain significance for Adams-Oliver syndrome 4. Last evaluated: 2022-10-19. Review status: criteria provided, single submitter. Criteria: Invitae Variant Classification Sherloc (09022015). Collection method: clinical testing. Allele origin: germline.
Comment: This sequence change replaces aspartic acid, which is acidic and polar, with glutamic acid, which is acidic and polar, at codon 441 of the EOGT protein (p.Asp441Glu). This variant is present in population databases (rs140481649, gnomAD 0.1%), and has an allele count higher than expected for a pathogenic variant. This variant has not been reported in the literature in individuals affected with EOGT-related conditions. ClinVar contains an entry for this variant (Variation ID: 1483956). Algorithms developed to predict the effect of missense changes on protein structure and function are either unavailable or do not agree on the potential impact of this missense change (SIFT: "Tolerated"; PolyPhen-2: "Possibly Damaging"; Align-GVGD: "Class C0"). In summary, the available evidence is currently insufficient to determine the role of this variant in disease. Therefore, it has been classified as a Variant of Uncertain Significance.